The following is an entry in ClinVar:

ClinVar aggregate classification (germline): Benign (1 of 4 stars; one submission).

Allele frequency attached by ClinVar (database versions not stated): 1000 Genomes Project 0.00100; 1000 Genomes Project 30x 0.00141.
gnomAD v4.1: 86 of 398,414 alleles (0.022%); highest among the groups gnomAD compares: African/African-American, 0.14%; no homozygotes.

Submission:

CeGaT Center for Human Genetics Tuebingen
Classification: Benign. Last evaluated: 2024-05-01. Review status: criteria provided, single submitter. Criteria: CeGaT Center For Human Genetics Tuebingen Variant Classification Criteria Version 2. Collection method: clinical testing. Allele origin: germline. Affected: yes. Observed: 2 variant alleles.
Comment: KCNQ1OT1: BS1, BS2

NM_000218.3(KCNQ1):c.1393+29814G>A

Genes: KCNQ1 (potassium voltage-gated channel subfamily Q member 1; plus strand), KCNQ1OT1 (KCNQ1 opposite strand/antisense transcript 1; minus strand). Cytogenetic location: 11p15.5.
Variant type: single nucleotide variant.
Coding change: c.1393+29814G>A on transcript NM_000218.3 (MANE Select); 29814 bases into the intron after coding-DNA position 1393, G replaced by A.
Molecular consequence: intron variant.
Genome position (GRCh38, 1-based): chr11:2,618,668, G>A. VCF-style: chr11-2618668-G-A. GRCh37 (hg19) VCF-style: chr11-2639898-G-A.
Other names: c.1297+29814G>A (NM_001406836.1); c.853+29814G>A (NM_001406838.1); c.1012+29814G>A (NM_181798.2); c.1123+29814G>A (NM_001406837.1).
Identifiers: ClinVar variation 1879163 (VCV001879163.29), dbSNP rs531044813, ClinGen allele CA216361237.